The following is an entry in ClinVar:

NM_005619.5(RTN2):c.455G>C (p.Arg152Pro)

Genes: OPA3-RTN2 (OPA3-RTN2 readthrough; minus strand), RTN2 (reticulon 2; minus strand). Cytogenetic location: 19q13.32.
Variant type: single nucleotide variant.
Coding change: c.455G>C on transcript NM_005619.5 (MANE Select); coding-DNA position 455, G replaced by C.
Protein change: p.Arg152Pro; replaces arginine 152 with proline.
Molecular consequence: missense variant.
Genome position (GRCh38, 1-based): chr19:45,494,630, C>G on the plus strand (G>C on the coding strand, the complement: RTN2 is on the minus strand). VCF-style: chr19-45494630-C-G. GRCh37 (hg19) VCF-style: chr19-45997888-C-G.
Other names: c.455G>C, p.Arg152Pro (NM_206900.3); short protein forms R152P.
Identifiers: ClinVar variation 1806899 (VCV001806899.4), dbSNP rs1310871541, ClinGen allele CA406361818.

ClinVar aggregate classification (germline): Uncertain significance. Review status: criteria provided, multiple submitters, no conflicts (2 of 4 stars). 2 submissions from 2 submitters: Uncertain significance (2). Last evaluated 2023-01-25.

Conditions:
Spastic paraplegia. Identifiers: MedGen C0037772, HP:0001258.

gnomAD v4.1: 7 of 1,613,768 alleles (0.00043%); highest among the groups gnomAD compares: Middle Eastern, 0.033%; no homozygotes.

Submissions (2):

Labcorp Genetics (formerly Invitae), Labcorp
Classification: Uncertain significance for Spastic paraplegia. Last evaluated: 2023-01-25. Review status: criteria provided, single submitter. Criteria: Invitae Variant Classification Sherloc (09022015). Collection method: clinical testing. Allele origin: germline.
Comment: This sequence change replaces arginine, which is basic and polar, with proline, which is neutral and non-polar, at codon 152 of the RTN2 protein (p.Arg152Pro). This variant is present in population databases (no rsID available, gnomAD no frequency). This variant has not been reported in the literature in individuals affected with RTN2-related conditions. ClinVar contains an entry for this variant (Variation ID: 1806899). Algorithms developed to predict the effect of missense changes on protein structure and function (SIFT, PolyPhen-2, Align-GVGD) all suggest that this variant is likely to be tolerated. In summary, the available evidence is currently insufficient to determine the role of this variant in disease. Therefore, it has been classified as a Variant of Uncertain Significance.

Athena Diagnostics
Classification: Uncertain significance. Last evaluated: 2022-02-28. Review status: criteria provided, single submitter. Criteria: Athena Diagnostics Criteria. Collection method: clinical testing. Allele origin: unknown.